The following is an entry in ClinVar:

NM_003079.5(SMARCE1):c.985G>A (p.Gly329Ser)

Gene: SMARCE1 (SWI/SNF related BAF chromatin remodeling complex subunit E1; minus strand). Cytogenetic location: 17q21.2.
Variant type: single nucleotide variant.
Coding change: c.985G>A on transcript NM_003079.5 (MANE Select); coding-DNA position 985, G replaced by A.
Protein change: p.Gly329Ser; replaces glycine 329 with serine.
Molecular consequence: missense variant.
Genome position (GRCh38, 1-based): chr17:40,630,756, C>T on the plus strand (G>A on the coding strand, the complement: SMARCE1 is on the minus strand). VCF-style: chr17-40630756-C-T. GRCh37 (hg19) VCF-style: chr17-38787008-C-T.
Other names: short protein forms G329S.
Identifiers: ClinVar variation 1768422 (VCV001768422.2), dbSNP rs2508595867, ClinGen allele CA399363296.
Genomic context (GRCh38, chr17:40,630,756, plus strand): 5'-TTGTTGCTAGTGGGTTACCTGTCTCCATCGGAATGTTCTCGTCGTCTTTCTTCTCCTCGC[C>T]TTTGTTAGCTGCTTGTTCTTCCTCAGGAACGATGCTGCTCTGACTGCGCTCAGCTTGCTC-3'
Protein context (NP_003070.3, residues 319-339): VPEEEQAANK[Gly329Ser]EEKKDDENIP

ClinVar aggregate classification (germline): Uncertain significance (1 of 4 stars; one submission).

Conditions:
Hereditary cancer-predisposing syndrome. Also called: Hereditary Cancer Syndrome; Hereditary neoplastic syndrome; Neoplastic Syndromes, Hereditary; Tumor predisposition. Identifiers: Orphanet 140162, MedGen C0027672, MeSH D009386, MONDO:0015356.

Submission:

Ambry Genetics
Classification: Uncertain significance for Hereditary cancer-predisposing syndrome. Last evaluated: 2021-08-30. Review status: criteria provided, single submitter. Criteria: Ambry Variant Classification Scheme 2023. Collection method: clinical testing. Allele origin: germline.
Comment: The p.G329S variant (also known as c.985G>A), located in coding exon 9 of the SMARCE1 gene, results from a G to A substitution at nucleotide position 985. The glycine at codon 329 is replaced by serine, an amino acid with similar properties. This amino acid position is poorly conserved in available vertebrate species. In addition, this alteration is predicted to be tolerated by in silico analysis. Missense and in-frame variants in SMARCE1 are known to cause neurodevelopmental disorders; however, such associations with increased risk of meningiomas are exceedingly rare (Kosho T et al. Am J Med Genet C Semin Med Genet. 2014 Sep;166C(3):262-75; Smith JM et al. Nat Genet. 2013 Mar;45(3):295-8). Based on the supporting evidence, the association of this alteration with an increased risk of Coffin-Siris syndrome is unknown; however, the association of this alteration with meningiomas is unlikely.